The following is an entry in ClinVar:

NM_025219.3(DNAJC5):c.58C>T (p.Leu20Phe)

Gene: DNAJC5 (DnaJ heat shock protein family (Hsp40) member C5; plus strand). Cytogenetic location: 20q13.33.
Variant type: single nucleotide variant.
Coding change: c.58C>T on transcript NM_025219.3 (MANE Select); coding-DNA position 58, C replaced by T.
Protein change: p.Leu20Phe; replaces leucine 20 with phenylalanine.
Molecular consequence: missense variant.
Genome position (GRCh38, 1-based): chr20:63,928,403, C>T. VCF-style: chr20-63928403-C-T. GRCh37 (hg19) VCF-style: chr20-62559756-C-T.
Other names: p.L20F:CTT>TTT; short protein forms L20F.
Identifiers: ClinVar variation 205370 (VCV000205370.6), dbSNP rs796052409, ClinGen allele CA314381.

ClinVar aggregate classification (germline): Uncertain significance. Review status: criteria provided, multiple submitters, no conflicts (2 of 4 stars). 2 submissions from 2 submitters: Uncertain significance (2). Last evaluated 2024-06-11.

Conditions:
Neuronal ceroid lipofuscinosis. Also called: Neuronal Ceroid Lipofuscinoses. Identifiers: Orphanet 216, Orphanet 79263, MedGen C0027877, MONDO:0016295. Disease mechanism: loss of function.

Allele frequency attached by ClinVar (database versions not stated): gnomAD 0.00001; TOPMed 0.00001.
gnomAD v4.1: 1 of 1,613,976 alleles (0.000062%); highest among the groups gnomAD compares: Admixed American, 0.0017%; no homozygotes.

Submissions (2):

Labcorp Genetics (formerly Invitae), Labcorp
Classification: Uncertain significance for Neuronal ceroid lipofuscinosis. Last evaluated: 2024-06-11. Review status: criteria provided, single submitter. Criteria: Invitae Variant Classification Sherloc (09022015). Collection method: clinical testing. Allele origin: germline.
Comment: This sequence change replaces leucine, which is neutral and non-polar, with phenylalanine, which is neutral and non-polar, at codon 20 of the DNAJC5 protein (p.Leu20Phe). This variant is not present in population databases (gnomAD no frequency). This variant has not been reported in the literature in individuals affected with DNAJC5-related conditions. ClinVar contains an entry for this variant (Variation ID: 205370). An algorithm developed to predict the effect of missense changes on protein structure and function (PolyPhen-2) suggests that this variant is likely to be disruptive. In summary, the available evidence is currently insufficient to determine the role of this variant in disease. Therefore, it has been classified as a Variant of Uncertain Significance.

GeneDx
Classification: Uncertain significance. Last evaluated: 2021-05-11. Review status: criteria provided, single submitter. Criteria: GeneDx Variant Classification Process June 2021. Collection method: clinical testing. Allele origin: germline. Affected: yes.
Comment: Has not been previously published as pathogenic or benign to our knowledge; Not observed in large population cohorts (Lek et al., 2016); In silico analysis supports that this missense variant has a deleterious effect on protein structure/function